The following is an entry in ClinVar:

ClinVar aggregate classification (germline): Uncertain significance (1 of 4 stars; one submission).

Allele frequency attached by ClinVar (database versions not stated): ExAC 0.00001; gnomAD 0.00001.
gnomAD v4.1: 8 of 1,605,582 alleles (0.0005%); highest among the groups gnomAD compares: Admixed American, 0.0033%; no homozygotes.

Submission:

Labcorp Genetics (formerly Invitae), Labcorp
Classification: Uncertain significance. Last evaluated: 2025-12-31. Review status: criteria provided, single submitter. Criteria: Invitae Variant Classification Sherloc (09022015). Collection method: clinical testing. Allele origin: germline.
Comment: This sequence change replaces arginine, which is basic and polar, with histidine, which is basic and polar, at codon 1200 of the TAOK2 protein (p.Arg1200His). The frequency data for this variant in the population databases is considered unreliable, as metrics indicate poor data quality at this position in the gnomAD database. This variant has not been reported in the literature in individuals affected with TAOK2-related conditions. ClinVar contains an entry for this variant (Variation ID: 1938782). An algorithm developed to predict the effect of missense changes on protein structure and function outputs the following: PolyPhen-2: "Benign". The histidine amino acid residue is found in multiple mammalian species, which suggests that this missense change does not adversely affect protein function. In summary, the available evidence is currently insufficient to determine the role of this variant in disease. Therefore, it has been classified as a Variant of Uncertain Significance.

NM_016151.4(TAOK2):c.3599G>A (p.Arg1200His)

Gene: TAOK2 (TAO kinase 2; plus strand). Cytogenetic location: 16p11.2.
Variant type: single nucleotide variant.
Coding change: c.3599G>A on transcript NM_016151.4 (MANE Select); coding-DNA position 3599, G replaced by A.
Protein change: p.Arg1200His; replaces arginine 1200 with histidine.
Molecular consequence: missense variant. On other transcripts: intron variant (1).
Genome position (GRCh38, 1-based): chr16:29,987,871, G>A. VCF-style: chr16-29987871-G-A. GRCh37 (hg19) VCF-style: chr16-29999192-G-A.
Other names: c.3260G>A, p.Arg1087His (NM_001252043.2); c.2232+1367G>A (NM_004783.4); short protein forms R1200H, R1087H.
Identifiers: ClinVar variation 1938782 (VCV001938782.5), dbSNP rs767277640, ClinGen allele CA7998608.